The following is an entry in ClinVar:

ClinVar aggregate classification (germline): Uncertain significance (1 of 4 stars; one submission).

Conditions:
Inborn genetic diseases. Identifiers: MedGen C0950123, MeSH D030342.

gnomAD v4.1: 5 of 1,614,080 alleles (0.00031%); highest among the groups gnomAD compares: Non-Finnish European, 0.00034%; no homozygotes.

Submission:

Ambry Genetics
Classification: Uncertain significance for Inborn genetic diseases. Last evaluated: 2025-01-06. Review status: criteria provided, single submitter. Criteria: Ambry Variant Classification Scheme 2023. Collection method: clinical testing. Allele origin: germline.
Comment: The p.S1231R variant (also known as c.3693T>G), located in coding exon 17 of the MECOM gene, results from a T to G substitution at nucleotide position 3693. The serine at codon 1231 is replaced by arginine, an amino acid with dissimilar properties. This amino acid position is conserved. In addition, this alteration is predicted to be tolerated by in silico analysis. Based on the available evidence, the clinical significance of this variant remains unclear.

NM_004991.4(MECOM):c.3693T>G (p.Ser1231Arg)

Gene: MECOM (MDS1 and EVI1 complex locus; minus strand). Cytogenetic location: 3q26.2.
Variant type: single nucleotide variant.
Coding change: c.3693T>G on transcript NM_004991.4 (MANE Select); coding-DNA position 3693, T replaced by G.
Protein change: p.Ser1231Arg; replaces serine 1231 with arginine.
Molecular consequence: missense variant.
Genome position (GRCh38, 1-based): chr3:169,084,936, A>C on the plus strand (T>G on the coding strand, the complement: MECOM is on the minus strand). VCF-style: chr3-169084936-A-C. GRCh37 (hg19) VCF-style: chr3-168802724-A-C.
Other names: c.3324T>G, p.Ser1108Arg (NM_001105077.4); c.3129T>G, p.Ser1043Arg (NM_001105078.4, NM_001205194.2, NM_001366469.2 and 1 more transcripts); c.3105T>G, p.Ser1035Arg (NM_001163999.2, NM_001366470.2); c.3102T>G, p.Ser1034Arg (NM_001164000.2, NM_001366471.2, NM_001366472.2); c.3666T>G, p.Ser1222Arg (NM_001366466.2); c.3132T>G, p.Ser1044Arg (NM_001366467.2, NM_001366468.2); c.2694T>G, p.Ser898Arg (NM_001366473.2); c.2130T>G, p.Ser710Arg (NM_001366474.2); short protein forms S1043R, S1044R, S1034R, S1222R, S1035R, S1108R, S1231R, S710R.
Identifiers: ClinVar variation 3871678 (VCV003871678.1).